The following is an entry in ClinVar:

NM_001042492.3(NF1):c.6656A>G (p.Asp2219Gly)

Gene: NF1 (neurofibromin 1; plus strand). Cytogenetic location: 17q11.2.
Variant type: single nucleotide variant.
Coding change: c.6656A>G on transcript NM_001042492.3 (MANE Select); coding-DNA position 6656, A replaced by G.
Protein change: p.Asp2219Gly; replaces aspartic acid 2219 with glycine.
Molecular consequence: missense variant.
Genome position (GRCh38, 1-based): chr17:31,337,832, A>G. VCF-style: chr17-31337832-A-G. GRCh37 (hg19) VCF-style: chr17-29664850-A-G.
Other names: c.6593A>G, p.Asp2198Gly (NM_000267.4); short protein forms D2198G, D2219G.
Identifiers: ClinVar variation 1754371 (VCV001754371.2), dbSNP rs1567617676, ClinGen allele CA399013731.

ClinVar aggregate classification (germline): Uncertain significance (1 of 4 stars; one submission).

Conditions:
Cardiovascular phenotype. Identifiers: MedGen CN230736.
Hereditary cancer-predisposing syndrome. Also called: Neoplastic Syndromes, Hereditary; Tumor predisposition; Hereditary Cancer Syndrome; Hereditary neoplastic syndrome. Identifiers: Orphanet 140162, MedGen C0027672, MeSH D009386, MONDO:0015356.

Submission:

Ambry Genetics
Classification: Uncertain significance for Cardiovascular phenotype; Hereditary cancer-predisposing syndrome. Last evaluated: 2019-04-25. Review status: criteria provided, single submitter. Criteria: Ambry Variant Classification Scheme 2023. Collection method: clinical testing. Allele origin: germline.
Comment: The p.D2198G variant (also known as c.6593A>G), located in coding exon 43 of the NF1 gene, results from an A to G substitution at nucleotide position 6593. The aspartic acid at codon 2198 is replaced by glycine, an amino acid with similar properties. This amino acid position is highly conserved in available vertebrate species. In addition, this alteration is predicted to be deleterious by in silico analysis. Since supporting evidence is limited at this time, the clinical significance of this alteration remains unclear.